The following is an entry in ClinVar:

NM_000388.4(CASR):c.2888_*474del (p.Lys963fs)

Gene: CASR (calcium sensing receptor; plus strand). Cytogenetic location: 3q21.1.
Variant type: Deletion.
Coding change: c.2888_*474del on transcript NM_000388.4 (MANE Select); coding-DNA position 2888 through 474 bases downstream of the stop codon, 824 bases deleted.
Protein change: p.Lys963fs; shifts the reading frame from lysine 963.
Molecular consequence: frameshift variant.
Genome position (GRCh38, 1-based): chr3:122,284,842-122,285,665, 824 bases deleted. GRCh37 (hg19): chr3:122,003,689-122,004,512.
Other names: c.2918_*474del, p.Lys973fs (NM_001178065.2); short protein forms K973fs, K963fs.
Identifiers: ClinVar variation 2942478 (VCV002942478.3), dbSNP rs2473282473, ClinGen allele CA2740094578.

ClinVar aggregate classification (germline): Uncertain significance (1 of 4 stars; one submission).

Conditions:
Autosomal dominant hypocalcemia 1 (HYPOC1). Also called: HYPOCALCEMIA, FAMILIAL. Identifiers: MedGen C3715128, MONDO:0011013, OMIM 601198.
Familial hypocalciuric hypercalcemia (FHH). Also called: Familial benign hypercalcemia. Identifiers: Orphanet 405, MedGen C1809471, MONDO:0018458.

Submission:

Labcorp Genetics (formerly Invitae), Labcorp
Classification: Uncertain significance for Familial hypocalciuric hypercalcemia; Autosomal dominant hypocalcemia 1. Last evaluated: 2024-04-15. Review status: criteria provided, single submitter. Criteria: Invitae Variant Classification Sherloc (09022015). Collection method: clinical testing. Allele origin: germline.
Comment: This sequence change creates a premature translational stop signal (p.Lys963Thrfs*5) in the CASR gene. While this is not anticipated to result in nonsense mediated decay, it is expected to disrupt the last 116 amino acid(s) of the CASR protein. This variant is not present in population databases (gnomAD no frequency). This variant has not been reported in the literature in individuals affected with CASR-related conditions. Experimental studies and prediction algorithms are not available or were not evaluated, and the functional significance of this variant is currently unknown. In summary, the available evidence is currently insufficient to determine the role of this variant in disease. Therefore, it has been classified as a Variant of Uncertain Significance.